The following is an entry in ClinVar:

NM_006231.4(POLE):c.2319+5G>T

Gene: POLE (DNA polymerase epsilon, catalytic subunit; minus strand). Cytogenetic location: 12q24.33.
Variant type: single nucleotide variant.
Coding change: c.2319+5G>T on transcript NM_006231.4 (MANE Select); 5 bases into the intron after coding-DNA position 2319, G replaced by T.
Molecular consequence: intron variant.
Genome position (GRCh38, 1-based): chr12:132,667,498, C>A on the plus strand (G>T on the coding strand, the complement: POLE is on the minus strand). VCF-style: chr12-132667498-C-A. GRCh37 (hg19) VCF-style: chr12-133244084-C-A.
Other names: c.2319+5G>T (NM_006231.2).
Identifiers: ClinVar variation 656069 (VCV000656069.7), dbSNP rs1593789825, ClinGen allele CA915946743.

ClinVar aggregate classification (germline): Uncertain significance. Review status: criteria provided, multiple submitters, no conflicts (2 of 4 stars). 2 submissions from 2 submitters: Uncertain significance (2). Last evaluated 2025-04-13.

Conditions:
Hereditary cancer-predisposing syndrome. Also called: Hereditary neoplastic syndrome; Tumor predisposition; Neoplastic Syndromes, Hereditary; Hereditary Cancer Syndrome. Identifiers: Orphanet 140162, MedGen C0027672, MeSH D009386, MONDO:0015356.

gnomAD v4.1: 2 of 1,613,996 alleles (0.00012%); highest among the groups gnomAD compares: Non-Finnish European, 0.00017%; no homozygotes.

Submissions (2):

Labcorp Genetics (formerly Invitae), Labcorp
Classification: Uncertain significance. Last evaluated: 2025-04-13. Review status: criteria provided, single submitter. Criteria: Invitae Variant Classification Sherloc (09022015). Collection method: clinical testing. Allele origin: germline.
Comment: This sequence change falls in intron 20 of the POLE gene. It does not directly change the encoded amino acid sequence of the POLE protein. It affects a nucleotide within the consensus splice site. This variant is not present in population databases (gnomAD no frequency). This variant has not been reported in the literature in individuals affected with POLE-related conditions. ClinVar contains an entry for this variant (Variation ID: 656069). Variants that disrupt the consensus splice site are a relatively common cause of aberrant splicing (PMID: 17576681, 9536098). Algorithms developed to predict the effect of sequence changes on RNA splicing suggest that this variant is not likely to affect RNA splicing. In summary, the available evidence is currently insufficient to determine the role of this variant in disease. Therefore, it has been classified as a Variant of Uncertain Significance.

Ambry Genetics
Classification: Uncertain significance for Hereditary cancer-predisposing syndrome. Last evaluated: 2025-01-17. Review status: criteria provided, single submitter. Criteria: Ambry Variant Classification Scheme 2023. Collection method: clinical testing. Allele origin: germline.
Comment: The c.2319+5G>T intronic variant results from a G to T substitution 5 nucleotides after coding exon 20 in the POLE gene. This nucleotide position is highly conserved in available vertebrate species. In silico splice site analysis predicts that this alteration will not have any significant effect on splicing. Based on the available evidence, the clinical significance of this variant remains unclear.

Literature cited by the submitters: PubMed 17576681 (cited by Labcorp Genetics (formerly Invitae), Labcorp); PubMed 9536098 (cited by Labcorp Genetics (formerly Invitae), Labcorp).